The following is an entry in ClinVar:

NM_018136.5(ASPM):c.9996T>C (p.Thr3332=)

Gene: ASPM (assembly factor for spindle microtubules; minus strand). Cytogenetic location: 1q31.3.
Variant type: single nucleotide variant.
Coding change: c.9996T>C on transcript NM_018136.5 (MANE Select); coding-DNA position 9996, T replaced by C.
Protein change: p.Thr3332=; no amino-acid change (threonine 3332 retained).
Molecular consequence: synonymous variant.
Genome position (GRCh38, 1-based): chr1:197,088,421, A>G on the plus strand (T>C on the coding strand, the complement: ASPM is on the minus strand). VCF-style: chr1-197088421-A-G. GRCh37 (hg19) VCF-style: chr1-197057551-A-G.
Other names: c.5241T>C, p.Thr1747= (NM_001206846.2).
Identifiers: ClinVar variation 157923 (VCV000157923.33), dbSNP rs139927527, ClinGen allele CA202063.

ClinVar aggregate classification (germline): Benign/Likely benign. Review status: criteria provided, multiple submitters, no conflicts (2 of 4 stars). 8 submissions from 8 submitters: Benign (4); Likely benign (4). Last evaluated 2026-08-01.

Conditions:
Microcephaly 5, primary, autosomal recessive (MCPH5). Also called: ASPM Primary Microcephaly. Identifiers: Orphanet 2512, MedGen C1837501, MONDO:0012106, OMIM 608716.

Allele frequency attached by ClinVar (database versions not stated): gnomAD exomes 0.00021 and 0.00063; ExAC 0.00074; gnomAD 0.00239 and 0.00253; 1000 Genomes Project 0.00260; TOPMed 0.00272; 1000 Genomes Project 30x 0.00281; ESP Exome Variant Server 0.00300.
gnomAD v4.1: 689 of 1,600,858 alleles (0.043%); highest among the groups gnomAD compares: African/African-American, 0.82%; 1 homozygote.

Submissions (8):

CeGaT Center for Human Genetics Tuebingen
Classification: Likely benign. Last evaluated: 2026-08-01. Review status: criteria provided, single submitter. Criteria: CeGaT Center For Human Genetics Tuebingen Variant Classification Criteria Version 2. Collection method: clinical testing. Allele origin: germline. Affected: yes. Observed: 3 variant alleles.
Comment: ASPM: BP4, BP7

Labcorp Genetics (formerly Invitae), Labcorp
Classification: Benign. Last evaluated: 2026-01-20. Review status: criteria provided, single submitter. Criteria: Invitae Variant Classification Sherloc (09022015). Collection method: clinical testing. Allele origin: germline.

Blueprint Genetics
Classification: Likely benign. Last evaluated: 2024-10-22. Review status: criteria provided, single submitter. Criteria: ACMG Guidelines, 2015. Collection method: clinical testing. Allele origin: germline.

Genome-Nilou Lab
Classification: Benign for Microcephaly 5, primary, autosomal recessive. Last evaluated: 2023-04-11. Review status: criteria provided, single submitter. Criteria: ACMG Guidelines, 2015. Collection method: clinical testing. Allele origin: germline. Affected: no.

GeneDx
Classification: Likely benign. Last evaluated: 2020-06-01. Review status: criteria provided, single submitter. Criteria: GeneDx Variant Classification Process June 2021. Collection method: clinical testing. Allele origin: germline. Affected: yes.

Illumina Laboratory Services, Illumina
Classification: Likely benign for Microcephaly 5, primary, autosomal recessive. Last evaluated: 2018-01-12. Review status: criteria provided, single submitter. Criteria: ICSL Variant Classification Criteria 13 December 2019. Collection method: clinical testing. Allele origin: germline.
Comment: This variant was observed in the ICSL laboratory as part of a predisposition screen in an ostensibly healthy population. It had not been previously curated by ICSL or reported in the Human Gene Mutation Database (HGMD: prior to June 1st, 2018), and was therefore a candidate for classification through an automated scoring system. Utilizing variant allele frequency, disease prevalence and penetrance estimates, and inheritance mode, an automated score was calculated to assess if this variant is too frequent to cause the disease. Based on the score and internal cut-off values, a variant classified as likely benign is not then subjected to further curation. The score for this variant resulted in a classification of likely benign for this disease.

Genetic Services Laboratory, University of Chicago
Classification: Benign. Last evaluated: 2016-02-24. Review status: criteria provided, single submitter. Criteria: ACMG Guidelines, 2015. Collection method: clinical testing. Allele origin: germline. Affected: no.

Eurofins Ntd Llc (ga)
Classification: Benign. Last evaluated: 2015-03-13. Review status: criteria provided, single submitter. Criteria: EGL Classification Definitions 2015. Collection method: clinical testing. Allele origin: germline. Observed: 1 variant allele, 1 heterozygote.